The following is an entry in ClinVar:

NM_173689.7(CRB2):c.3553G>C (p.Gly1185Arg)

Gene: CRB2 (crumbs cell polarity complex component 2; plus strand). Cytogenetic location: 9q33.3.
Variant type: single nucleotide variant.
Coding change: c.3553G>C on transcript NM_173689.7 (MANE Select); coding-DNA position 3553, G replaced by C.
Protein change: p.Gly1185Arg; replaces glycine 1185 with arginine.
Molecular consequence: missense variant. On other transcripts: non-coding transcript variant (1).
Genome position (GRCh38, 1-based): chr9:123,375,263, G>C. VCF-style: chr9-123375263-G-C. GRCh37 (hg19) VCF-style: chr9-126137542-G-C.
Other names: short protein forms G1185R.
Identifiers: ClinVar variation 1720666 (VCV001720666.5), dbSNP rs2550690751, ClinGen allele CA374869334.

ClinVar aggregate classification (germline): Uncertain significance (1 of 4 stars; one submission).

Submission:

Labcorp Genetics (formerly Invitae), Labcorp
Classification: Uncertain significance. Last evaluated: 2022-09-29. Review status: criteria provided, single submitter. Criteria: Invitae Variant Classification Sherloc (09022015). Collection method: clinical testing. Allele origin: germline.
Comment: This sequence change replaces glycine, which is neutral and non-polar, with arginine, which is basic and polar, at codon 1185 of the CRB2 protein (p.Gly1185Arg). In summary, the available evidence is currently insufficient to determine the role of this variant in disease. Therefore, it has been classified as a Variant of Uncertain Significance. Advanced modeling of protein sequence and biophysical properties (such as structural, functional, and spatial information, amino acid conservation, physicochemical variation, residue mobility, and thermodynamic stability) performed at Invitae indicates that this missense variant is expected to disrupt CRB2 protein function. This variant has not been reported in the literature in individuals affected with CRB2-related conditions. This variant is not present in population databases (gnomAD no frequency).